The following is an entry in ClinVar:

ClinVar aggregate classification (germline): Uncertain significance. Review status: criteria provided, multiple submitters, no conflicts (2 of 4 stars). 3 submissions from 3 submitters: Uncertain significance (3). Last evaluated 2024-11-11.

Conditions:
Inborn genetic diseases. Identifiers: MedGen C0950123, MeSH D030342.
Central core myopathy (CMYO1A). Also called: Central core disease; Myopathy, central fibrillar; CONGENITAL MYOPATHY 1A, AUTOSOMAL DOMINANT, WITH SUSCEPTIBILITY TO MALIGNANT HYPERTHERMIA. Identifiers: Orphanet 597, MedGen C5830701, MONDO:0007294, OMIM 117000.
King Denborough syndrome (KDS). Identifiers: MedGen C1840365, MONDO:0020485, OMIM 619542.
Malignant hyperthermia, susceptibility to, 1 (MHS1). Also called: RYR1-Related Malignant Hyperthermia Susceptibility; Anesthesia related hyperthermia; Malignant hyperpyrexia; Fulminating hyperpyrexia; Pharmacogenic myopathy; Malignant hyperthermia suceptibility 1. Identifiers: Orphanet 423, MedGen C2930980, MONDO:0007783, OMIM 145600.
Congenital multicore myopathy with external ophthalmoplegia (CMYO1B). Also called: Minicore myopathy with external ophthalmoplegia; MULTIMINICORE DISEASE WITH EXTERNAL OPHTHALMOPLEGIA; Congenital myopathy 1B, autosomal recessive; Minicore myopathy; MULTICORE MYOPATHY. Identifiers: Orphanet 598, Orphanet 98905, MedGen C1850674, MONDO:0009712, OMIM 255320, HP:0003789.
Congenital myopathy with fiber type disproportion. Also called: Congenital fiber-type disproportion myopathy; Congenital fiber-type disproportion. Identifiers: Orphanet 2020, MedGen C0546264, MONDO:0009711. Inheritance: all.
RYR1-related disorder. Also called: RYR1-related disorders; RYR1-related condition. Identifiers: MedGen CN239331.

Allele frequency attached by ClinVar (database versions not stated): gnomAD 0.00001; TOPMed 0.00002; gnomAD exomes 0.00004; ExAC 0.00009.
gnomAD v4.1: 16 of 1,505,192 alleles (0.0011%); highest among the groups gnomAD compares: East Asian, 0.0027%; no homozygotes.

Submissions (3):

Ambry Genetics
Classification: Uncertain significance for Inborn genetic diseases. Last evaluated: 2024-11-11. Review status: criteria provided, single submitter. Criteria: Ambry Variant Classification Scheme 2023. Collection method: clinical testing. Allele origin: germline.

Labcorp Genetics (formerly Invitae), Labcorp
Classification: Uncertain significance for RYR1-related disorder. Last evaluated: 2024-11-11. Review status: criteria provided, single submitter. Criteria: Invitae Variant Classification Sherloc (09022015). Collection method: clinical testing. Allele origin: germline.
Comment: This sequence change replaces aspartic acid, which is acidic and polar, with asparagine, which is neutral and polar, at codon 4389 of the RYR1 protein (p.Asp4389Asn). This variant is present in population databases (rs774812209, gnomAD 0.04%). This missense change has been observed in individual(s) with clinical features of RYR1-related conditions (internal data). ClinVar contains an entry for this variant (Variation ID: 659311). Invitae Evidence Modeling of protein sequence and biophysical properties (such as structural, functional, and spatial information, amino acid conservation, physicochemical variation, residue mobility, and thermodynamic stability) indicates that this missense variant is not expected to disrupt RYR1 protein function with a negative predictive value of 80%. In summary, the available evidence is currently insufficient to determine the role of this variant in disease. Therefore, it has been classified as a Variant of Uncertain Significance.

Fulgent Genetics
Classification: Uncertain significance for Central core myopathy; Malignant hyperthermia, susceptibility to, 1; Congenital myopathy 4A, autosomal dominant; Congenital multicore myopathy with external ophthalmoplegia; King Denborough syndrome. Last evaluated: 2021-08-12. Review status: criteria provided, single submitter. Criteria: ACMG Guidelines, 2015. Collection method: clinical testing. Allele origin: unknown.

NM_000540.3(RYR1):c.13165G>A (p.Asp4389Asn)

Gene: RYR1 (ryanodine receptor 1; plus strand). Cytogenetic location: 19q13.2.
Variant type: single nucleotide variant.
Coding change: c.13165G>A on transcript NM_000540.3 (MANE Select); coding-DNA position 13165, G replaced by A.
Protein change: p.Asp4389Asn; replaces aspartic acid 4389 with asparagine.
Molecular consequence: missense variant.
Genome position (GRCh38, 1-based): chr19:38,565,499, G>A. VCF-style: chr19-38565499-G-A. GRCh37 (hg19) VCF-style: chr19-39056139-G-A.
Other names: c.13150G>A, p.Asp4384Asn (NM_001042723.2); short protein forms D4384N, D4389N.
Identifiers: ClinVar variation 659311 (VCV000659311.9), dbSNP rs774812209, ClinGen allele CA059610.